The following is an entry in ClinVar:

ClinVar aggregate classification (germline): Uncertain significance (1 of 4 stars; one submission).

Allele frequency attached by ClinVar (database versions not stated): TOPMed 0.00001.
gnomAD v4.1: 4 of 1,613,504 alleles (0.00025%); highest among the groups gnomAD compares: Admixed American, 0.0033%; no homozygotes.

Submission:

Labcorp Genetics (formerly Invitae), Labcorp
Classification: Uncertain significance. Last evaluated: 2024-03-25. Review status: criteria provided, single submitter. Criteria: Invitae Variant Classification Sherloc (09022015). Collection method: clinical testing. Allele origin: germline.
Comment: This sequence change replaces serine, which is neutral and polar, with threonine, which is neutral and polar, at codon 326 of the YME1L1 protein (p.Ser326Thr). This variant is present in population databases (rs748163083, gnomAD 0.006%). This variant has not been reported in the literature in individuals affected with YME1L1-related conditions. ClinVar contains an entry for this variant (Variation ID: 2042906). An algorithm developed to predict the effect of missense changes on protein structure and function (PolyPhen-2) suggests that this variant is likely to be tolerated. In summary, the available evidence is currently insufficient to determine the role of this variant in disease. Therefore, it has been classified as a Variant of Uncertain Significance.

NM_014263.4(YME1L1):c.805T>A (p.Ser269Thr)

Gene: YME1L1 (YME1 like 1 ATPase; minus strand). Cytogenetic location: 10p12.1.
Variant type: single nucleotide variant.
Coding change: c.805T>A on transcript NM_014263.4 (MANE Select); coding-DNA position 805, T replaced by A.
Protein change: p.Ser269Thr; replaces serine 269 with threonine.
Molecular consequence: missense variant.
Genome position (GRCh38, 1-based): chr10:27,131,912, A>T on the plus strand (T>A on the coding strand, the complement: YME1L1 is on the minus strand). VCF-style: chr10-27131912-A-T. GRCh37 (hg19) VCF-style: chr10-27420841-A-T.
Other names: c.706T>A, p.Ser236Thr (NM_001253866.2); c.976T>A, p.Ser326Thr (NM_139312.3); short protein forms S269T, S236T, S326T.
Identifiers: ClinVar variation 2042906 (VCV002042906.4), dbSNP rs748163083, ClinGen allele CA5449481.